The following is an entry in ClinVar:

NM_002439.5(MSH3):c.1271T>C (p.Val424Ala)

Gene: MSH3 (mutS homolog 3; plus strand). Cytogenetic location: 5q14.1.
Variant type: single nucleotide variant.
Coding change: c.1271T>C on transcript NM_002439.5 (MANE Select); coding-DNA position 1271, T replaced by C.
Protein change: p.Val424Ala; replaces valine 424 with alanine.
Molecular consequence: missense variant.
Genome position (GRCh38, 1-based): chr5:80,679,024, T>C. VCF-style: chr5-80679024-T-C. GRCh37 (hg19) VCF-style: chr5-79974843-T-C.
Other names: short protein forms V424A.
Identifiers: ClinVar variation 3222231 (VCV003222231.1), dbSNP rs2546726628, ClinGen allele CA360269017.

ClinVar aggregate classification (germline): Uncertain significance (1 of 4 stars; one submission).

Conditions:
Hereditary cancer-predisposing syndrome. Also called: Tumor predisposition; Hereditary neoplastic syndrome; Hereditary Cancer Syndrome; Neoplastic Syndromes, Hereditary. Identifiers: Orphanet 140162, MedGen C0027672, MeSH D009386, MONDO:0015356.

Submission:

Ambry Genetics
Classification: Uncertain significance for Hereditary cancer-predisposing syndrome. Last evaluated: 2024-02-28. Review status: criteria provided, single submitter. Criteria: Ambry Variant Classification Scheme 2023. Collection method: clinical testing. Allele origin: germline.
Comment: The p.V424A variant (also known as c.1271T>C), located in coding exon 8 of the MSH3 gene, results from a T to C substitution at nucleotide position 1271. The valine at codon 424 is replaced by alanine, an amino acid with similar properties. This amino acid position is conserved. In addition, this alteration is predicted to be tolerated by in silico analysis. Based on the available evidence, the clinical significance of this alteration remains unclear.